The following is an entry in ClinVar:

NM_001365951.3(KIF1B):c.931C>T (p.Leu311Phe)

Gene: KIF1B (kinesin family member 1B; plus strand). Cytogenetic location: 1p36.22.
Variant type: single nucleotide variant.
Coding change: c.931C>T on transcript NM_001365951.3 (MANE Select); coding-DNA position 931, C replaced by T.
Protein change: p.Leu311Phe; replaces leucine 311 with phenylalanine.
Molecular consequence: missense variant.
Genome position (GRCh38, 1-based): chr1:10,275,476, C>T. VCF-style: chr1-10275476-C-T. GRCh37 (hg19) VCF-style: chr1-10335534-C-T.
Other names: c.931C>T, p.Leu311Phe (NM_001365952.1); c.913C>T, p.Leu305Phe (NM_001365953.1, NM_015074.3, NM_183416.4); short protein forms L311F, L305F.
Identifiers: ClinVar variation 4543679 (VCV004543679.1).

ClinVar aggregate classification (germline): Uncertain significance (1 of 4 stars; one submission).

Submission:

Ambry Genetics
Classification: Uncertain significance. Last evaluated: 2025-11-22. Review status: criteria provided, single submitter. Criteria: Ambry Variant Classification Scheme 2023. Collection method: clinical testing. Allele origin: germline.
Comment: The p.L305F variant (also known as c.913C>T), located in coding exon 9 of the KIF1B gene, results from a C to T substitution at nucleotide position 913. The leucine at codon 305 is replaced by phenylalanine, an amino acid with highly similar properties. This amino acid position is conserved. In addition, this alteration is predicted to be deleterious by in silico analysis. Based on the available evidence, the clinical significance of this variant remains unclear.